The following is an entry in ClinVar:

NM_004924.6(ACTN4):c.277+29G>C

Gene: ACTN4 (actinin alpha 4; plus strand). Cytogenetic location: 19q13.2.
Variant type: single nucleotide variant.
Coding change: c.277+29G>C on transcript NM_004924.6 (MANE Select); 29 bases into the intron after coding-DNA position 277, G replaced by C.
Molecular consequence: intron variant.
Genome position (GRCh38, 1-based): chr19:38,700,743, G>C. VCF-style: chr19-38700743-G-C. GRCh37 (hg19) VCF-style: chr19-39191383-G-C.
Other names: c.277+29G>C (NM_001322033.2).
Identifiers: ClinVar variation 1259827 (VCV001259827.6), dbSNP rs2112649, ClinGen allele CA9417217.

ClinVar aggregate classification (germline): Benign. Review status: criteria provided, multiple submitters, no conflicts (2 of 4 stars). 4 submissions from 4 submitters: Benign (4). Last evaluated 2024-07-15.

Conditions:
Focal segmental glomerulosclerosis 1 (FSGS1). Identifiers: Orphanet 656, MedGen C4551527, MONDO:0011303, OMIM 603278.

Allele frequency attached by ClinVar (database versions not stated): 1000 Genomes Project 30x 0.66568; TOPMed 0.66577; 1000 Genomes Project 0.67073; ESP Exome Variant Server 0.67661.
gnomAD v4.1: 1,177,181 of 1,587,894 alleles (74%); highest among the groups gnomAD compares: South Asian, 85%; 439,591 homozygotes.

Submissions (4):

Unidad de Genómica Garrahan, Hospital de Pediatría Garrahan
Classification: Benign. Last evaluated: 2024-07-15. Review status: criteria provided, single submitter. Criteria: ACMG Guidelines, 2015. Collection method: clinical testing. Allele origin: germline. Affected: no. Observed: 76 variant alleles.
Comment: This variant is classified as Benign based on local population frequency. This variant was detected in 82% of patients studied in a panel designed for Epileptic and Developmental Encephalopathy and Progressive Myoclonus Epilepsy. Number of patients: 76. Only high quality variants are reported.

Genome-Nilou Lab
Classification: Benign for Focal segmental glomerulosclerosis 1. Last evaluated: 2021-12-05. Review status: criteria provided, single submitter. Criteria: ACMG Guidelines, 2015. Collection method: clinical testing. Allele origin: germline. Affected: no.

GeneDx
Classification: Benign. Last evaluated: 2018-07-09. Review status: criteria provided, single submitter. Criteria: GeneDx Variant Classification Process June 2021. Collection method: clinical testing. Allele origin: germline. Affected: yes.

Breakthrough Genomics
Classification: Benign. Review status: criteria provided, single submitter. Criteria: ACMG Guidelines, 2015. Collection method: not provided. Allele origin: germline. Inheritance: Autosomal dominant inheritance. Affected: yes.